The following is an entry in ClinVar:

ClinVar aggregate classification (germline): Uncertain significance. Review status: criteria provided, multiple submitters, no conflicts (2 of 4 stars). 2 submissions from 2 submitters: Uncertain significance (2). Last evaluated 2019-05-30.

Conditions:
Cardiovascular phenotype. Identifiers: MedGen CN230736.
Danon disease. Also called: PSEUDOGLYCOGENOSIS II; Glycogen Storage Disease Type IIb; GSD IIb; LYSOSOMAL GLYCOGEN STORAGE DISEASE WITHOUT ACID MALTASE DEFICIENCY; ANTOPOL DISEASE. Identifiers: Orphanet 34587, MedGen C0878677, MONDO:0010281, OMIM 300257.

Submissions (2):

Labcorp Genetics (formerly Invitae), Labcorp
Classification: Uncertain significance for Danon disease. Last evaluated: 2019-05-30. Review status: criteria provided, single submitter. Criteria: Invitae Variant Classification Sherloc (09022015). Collection method: clinical testing. Allele origin: germline.
Comment: In summary, the available evidence is currently insufficient to determine the role of this variant in disease. Therefore, it has been classified as a Variant of Uncertain Significance. Algorithms developed to predict the effect of missense changes on protein structure and function (SIFT, PolyPhen-2, Align-GVGD) all suggest that this variant is likely to be disruptive, but these predictions have not been confirmed by published functional studies and their clinical significance is uncertain. This variant has not been reported in the literature in individuals with LAMP2-related conditions. ClinVar contains an entry for this variant (Variation ID: 263458). This variant is not present in population databases (ExAC no frequency). This sequence change replaces leucine with arginine at codon 296 of the LAMP2 protein (p.Leu296Arg). The leucine residue is highly conserved and there is a moderate physicochemical difference between leucine and arginine.

Ambry Genetics
Classification: Uncertain significance for Cardiovascular phenotype. Last evaluated: 2018-07-02. Review status: criteria provided, single submitter. Criteria: Ambry Autosomal Dominant and X-Linked criteria (3/2017). Collection method: clinical testing. Allele origin: germline. Observed: 1 variant allele.
Comment: The p.L296R variant (also known as c.887T>G), located in coding exon 7 of the LAMP2 gene, results from a T to G substitution at nucleotide position 887. The leucine at codon 296 is replaced by arginine, an amino acid with dissimilar properties. This amino acid position is highly conserved in available vertebrate species. In addition, this alteration is predicted to be deleterious by in silico analysis. Since supporting evidence is limited at this time, the clinical significance of this alteration remains unclear.

NM_002294.3(LAMP2):c.887T>G (p.Leu296Arg)

Gene: LAMP2 (lysosome associated membrane protein 2; minus strand). Cytogenetic location: Xq24.
Variant type: single nucleotide variant.
Coding change: c.887T>G on transcript NM_002294.3 (MANE Select); coding-DNA position 887, T replaced by G.
Protein change: p.Leu296Arg; replaces leucine 296 with arginine.
Molecular consequence: missense variant.
Genome position (GRCh38, 1-based): chrX:120,442,640, A>C on the plus strand (T>G on the coding strand, the complement: LAMP2 is on the minus strand). VCF-style: chrX-120442640-A-C. GRCh37 (hg19) VCF-style: chrX-119576495-A-C.
Other names: c.887T>G, p.Leu296Arg (NM_001122606.1, NM_013995.2); short protein forms L296R.
Identifiers: ClinVar variation 263458 (VCV000263458.13), dbSNP rs730880486, ClinGen allele CA10587960.